The following is an entry in ClinVar:

ClinVar aggregate classification (germline): Uncertain significance. Review status: criteria provided, multiple submitters, no conflicts (2 of 4 stars). 2 submissions from 2 submitters: Uncertain significance (2). Last evaluated 2024-08-01.

Conditions:
Kartagener syndrome (CILD1). Also called: POLYNESIAN BRONCHIECTASIS; CILIARY DYSKINESIA, PRIMARY, 1; CILIARY DYSKINESIA, PRIMARY, 1, WITH OR WITHOUT SITUS INVERSUS; IMMOTILE CILIA SYNDROME; Dextrocardia bronchiectasis and sinusitis; SIEWERT SYNDROME. Identifiers: Orphanet 244, MedGen C4551906, MONDO:0009484, OMIM 244400.
Primary ciliary dyskinesia. Also called: Ciliary dyskinesia. Identifiers: Orphanet 244, MedGen C0008780, MONDO:0016575, HP:0012265.

Submissions (2):

Labcorp Genetics (formerly Invitae), Labcorp
Classification: Uncertain significance for Primary ciliary dyskinesia. Last evaluated: 2024-08-01. Review status: criteria provided, single submitter. Criteria: Invitae Variant Classification Sherloc (09022015). Collection method: clinical testing. Allele origin: germline.
Comment: This sequence change replaces tyrosine, which is neutral and polar, with histidine, which is basic and polar, at codon 104 of the DNAI1 protein (p.Tyr104His). This variant is present in population databases (no rsID available, gnomAD 0.0009%). This variant has not been reported in the literature in individuals affected with DNAI1-related conditions. Advanced modeling of protein sequence and biophysical properties (such as structural, functional, and spatial information, amino acid conservation, physicochemical variation, residue mobility, and thermodynamic stability) performed at Invitae indicates that this missense variant is not expected to disrupt DNAI1 protein function with a negative predictive value of 80%. In summary, the available evidence is currently insufficient to determine the role of this variant in disease. Therefore, it has been classified as a Variant of Uncertain Significance.

Fulgent Genetics
Classification: Uncertain significance for Kartagener syndrome. Last evaluated: 2024-02-20. Review status: criteria provided, single submitter. Criteria: ACMG Guidelines, 2015. Collection method: clinical testing. Allele origin: germline.

NM_012144.4(DNAI1):c.310T>C (p.Tyr104His)

Gene: DNAI1 (dynein axonemal intermediate chain 1; plus strand). Cytogenetic location: 9p13.3.
Variant type: single nucleotide variant.
Coding change: c.310T>C on transcript NM_012144.4 (MANE Select); coding-DNA position 310, T replaced by C.
Protein change: p.Tyr104His; replaces tyrosine 104 with histidine.
Molecular consequence: missense variant.
Genome position (GRCh38, 1-based): chr9:34,489,371, T>C. VCF-style: chr9-34489371-T-C. GRCh37 (hg19) VCF-style: chr9-34489369-T-C.
Other names: c.310T>C, p.Tyr104His (NM_001281428.2); short protein forms Y104H.
Identifiers: ClinVar variation 3597254 (VCV003597254.3).